The following is an entry in ClinVar:

NM_004415.4(DSP):c.6262G>T (p.Ala2088Ser)

Gene: DSP (desmoplakin; plus strand). Cytogenetic location: 6p24.3.
Variant type: single nucleotide variant.
Coding change: c.6262G>T on transcript NM_004415.4 (MANE Select); coding-DNA position 6262, G replaced by T.
Protein change: p.Ala2088Ser; replaces alanine 2088 with serine.
Molecular consequence: missense variant.
Genome position (GRCh38, 1-based): chr6:7,583,524, G>T. VCF-style: chr6-7583524-G-T. GRCh37 (hg19) VCF-style: chr6-7583757-G-T.
Other names: c.4465G>T, p.Ala1489Ser (NM_001008844.3); c.4933G>T, p.Ala1645Ser (NM_001319034.2); short protein forms A1645S, A1489S, A2088S.
Identifiers: ClinVar variation 2926139 (VCV002926139.4), dbSNP rs747108820, ClinGen allele CA047196.

ClinVar aggregate classification (germline): Conflicting classifications of pathogenicity. Review status: criteria provided, conflicting classifications (1 of 4 stars). 2 submissions from 2 submitters: Uncertain significance (1); Likely benign (1). Last evaluated 2025-08-25.

Conditions:
Arrhythmogenic right ventricular dysplasia 8 (ARVD8). Also called: Arrhythmogenic Right Ventricular Dysplasia/Cardiomyopathy 8; ARRHYTHMOGENIC RIGHT VENTRICULAR DYSPLASIA, FAMILIAL, 8; ARRHYTHMOGENIC RIGHT VENTRICULAR CARDIOMYOPATHY 8. Identifiers: MedGen C1843896, MONDO:0011831, OMIM 607450.
Arrhythmogenic cardiomyopathy with wooly hair and keratoderma. Also called: PALMOPLANTAR KERATODERMA WITH LEFT VENTRICULAR CARDIOMYOPATHY AND WOOLLY HAIR; Carvajal syndrome; Arrhythmogenic cardiomyopathy with woolly hair and keratoderma; Dilated cardiomyopathy with woolly hair and keratoderma. Identifiers: Orphanet 65282, MedGen C1854063, MONDO:0011581, OMIM 605676.
Cardiomyopathy (CMYO). Also called: Cardiomyopathies. Identifiers: Orphanet 167848, MedGen C0878544, MONDO:0004994, HP:0001638. Inheritance: Various modes of inheritance.

Allele frequency attached by ClinVar (database versions not stated): ExAC 0.00001; gnomAD 0.00001.

Submissions (2):

Color Diagnostics, LLC DBA Color Health
Classification: Uncertain significance for Cardiomyopathy. Last evaluated: 2025-08-25. Review status: criteria provided, single submitter. Criteria: ACMG Guidelines, 2015. Collection method: clinical testing. Allele origin: germline.
Comment: This missense variant replaces alanine with serine at codon 2088 of the DSP protein. Computational prediction suggests that this variant may not impact protein structure and function. To our knowledge, functional studies have not been reported for this variant. This variant has not been reported in individuals affected with DSP-related disorders in the literature. This variant has been identified in 1/251364 chromosomes in the general population by the Genome Aggregation Database (gnomAD). The available evidence is insufficient to determine the role of this variant in disease conclusively. Therefore, this variant is classified as a Variant of Uncertain Significance.

Labcorp Genetics (formerly Invitae), Labcorp
Classification: Likely benign for Arrhythmogenic cardiomyopathy with wooly hair and keratoderma; Arrhythmogenic right ventricular dysplasia 8. Last evaluated: 2023-03-13. Review status: criteria provided, single submitter. Criteria: Invitae Variant Classification Sherloc (09022015). Collection method: clinical testing. Allele origin: germline.